The following is an entry in ClinVar:

NM_138477.4(CDAN1):c.1715G>C (p.Arg572Thr)

Gene: CDAN1 (codanin 1; minus strand). Cytogenetic location: 15q15.2.
Variant type: single nucleotide variant.
Coding change: c.1715G>C on transcript NM_138477.4 (MANE Select); coding-DNA position 1715, G replaced by C.
Protein change: p.Arg572Thr; replaces arginine 572 with threonine.
Molecular consequence: missense variant.
Genome position (GRCh38, 1-based): chr15:42,731,644, C>G on the plus strand (G>C on the coding strand, the complement: CDAN1 is on the minus strand). VCF-style: chr15-42731644-C-G. GRCh37 (hg19) VCF-style: chr15-43023842-C-G.
Other names: c.1715G>C (NM_138477.2); short protein forms R572T.
Identifiers: ClinVar variation 1962287 (VCV001962287.9), dbSNP rs370515022, ClinGen allele CA7515967.
Genomic context (GRCh38, chr15:42,731,644, plus strand): 5'-TCTGCCCCATTCCTTGCAAGACACAGGGGAGCCTACCTGCTGGCACTAAGGATGAAGTCC[C>G]TAAAGAAGCCTTGACAGCCTGGGAAGGTGGGGGGTGGGCAGGGCCCCCCACTGCTCTGAG-3'
Protein context (NP_612486.2, residues 562-582): PTFPGCQGFF[Arg572Thr]DFILSASSFQ

ClinVar aggregate classification (germline): Uncertain significance. Review status: criteria provided, multiple submitters, no conflicts (2 of 4 stars). 4 submissions from 4 submitters: Uncertain significance (3). 1 of the submissions does not count toward it. Last evaluated 2025-03-26.

Conditions:
Anemia, congenital dyserythropoietic, type 1a (CDAN1A). Also called: CDAN1-Related Congenital Dyserythropoietic Anemia; DYSERYTHROPOIETIC ANEMIA, CONGENITAL, TYPE Ia. Identifiers: MedGen C5574667, MONDO:0009135, OMIM 224120.
CDAN1-related disorder. Also called: CDAN1-related condition.

Allele frequency attached by ClinVar (database versions not stated): ExAC 0.00001; gnomAD 0.00001; ESP Exome Variant Server 0.00008.
gnomAD v4.1: 8 of 1,614,008 alleles (0.0005%); highest among the groups gnomAD compares: Middle Eastern, 0.033%; no homozygotes.

Submissions (4):

Women's Health and Genetics/Laboratory Corporation of America, LabCorp
Classification: Uncertain significance. Last evaluated: 2025-03-26. Review status: criteria provided, single submitter. Criteria: LabCorp Variant Classification Summary - May 2015. Collection method: clinical testing. Allele origin: germline.
Comment: Variant summary: CDAN1 c.1715G>C (p.Arg572Thr) results in a non-conservative amino acid change in the encoded protein sequence. Four of five in-silico tools predict a damaging effect of the variant on protein function. The variant allele was found at a frequency of 4e-06 in 250994 control chromosomes (gnomAD). The available data on variant occurrences in the general population are insufficient to allow any conclusion about variant significance. c.1715G>C has been reported in the literature in an individual affected with Congenital dyserythropoietic anemia, type I (Marra_2024). These data do not allow any conclusion about variant significance. To our knowledge, no experimental evidence demonstrating an impact on protein function has been reported. The following publication has been ascertained in the context of this evaluation (PMID: 38666530). ClinVar contains an entry for this variant (Variation ID: 1962287). Based on the evidence outlined above, the variant was classified as uncertain significance.

Labcorp Genetics (formerly Invitae), Labcorp
Classification: Uncertain significance. Last evaluated: 2023-05-08. Review status: criteria provided, single submitter. Criteria: Invitae Variant Classification Sherloc (09022015). Collection method: clinical testing. Allele origin: germline.
Comment: In summary, the available evidence is currently insufficient to determine the role of this variant in disease. Therefore, it has been classified as a Variant of Uncertain Significance. An algorithm developed to predict the effect of missense changes on protein structure and function (PolyPhen-2) suggests that this variant is likely to be tolerated. ClinVar contains an entry for this variant (Variation ID: 1962287). This variant has not been reported in the literature in individuals affected with CDAN1-related conditions. This variant is present in population databases (rs370515022, gnomAD 0.0009%). This sequence change replaces arginine, which is basic and polar, with threonine, which is neutral and polar, at codon 572 of the CDAN1 protein (p.Arg572Thr).

Revvity Omics, Revvity
Classification: Uncertain significance for Anemia, congenital dyserythropoietic, type 1a. Last evaluated: 2023-04-07. Review status: criteria provided, single submitter. Criteria: ACMG Guidelines, 2015. Collection method: clinical testing. Allele origin: germline.

PreventionGenetics, part of Exact Sciences
Classification: Uncertain significance for CDAN1-related condition. Last evaluated: 2024-08-23. Review status: no assertion criteria provided. Collection method: clinical testing. Allele origin: germline. Not counted in ClinVar's aggregate classification.
Comment: The CDAN1 c.1715G>C variant is predicted to result in the amino acid substitution p.Arg572Thr. To our knowledge, this variant has not been reported in the literature. This variant is reported in 0.00088% of alleles in individuals of European (Non-Finnish) descent in gnomAD. At this time, the clinical significance of this variant is uncertain due to the absence of conclusive functional and genetic evidence.

Literature cited by the submitters: PubMed 38666530 (cited by Women's Health and Genetics/Laboratory Corporation of America, LabCorp).